The following is an entry in ClinVar:

NM_000088.4(COL1A1):c.2975G>A (p.Gly992Asp)

Gene: COL1A1 (collagen type I alpha 1 chain; minus strand). Cytogenetic location: 17q21.33.
Variant type: single nucleotide variant.
Coding change: c.2975G>A on transcript NM_000088.4 (MANE Select); coding-DNA position 2975, G replaced by A.
Protein change: p.Gly992Asp; replaces glycine 992 with aspartic acid.
Molecular consequence: missense variant.
Genome position (GRCh38, 1-based): chr17:50,188,973, C>T on the plus strand (G>A on the coding strand, the complement: COL1A1 is on the minus strand). VCF-style: chr17-50188973-C-T. GRCh37 (hg19) VCF-style: chr17-48266334-C-T.
Other names: short protein forms G992D.
Identifiers: ClinVar variation 2633124 (VCV002633124.1), dbSNP rs2509180480, ClinGen allele CA400204092.

ClinVar aggregate classification (germline): Likely pathogenic (1 of 4 stars; one submission).

Conditions:
COL1A1-related disorder. Also called: COL1A1- related disease; COL1A1-related condition.

Submission:

PreventionGenetics, part of Exact Sciences
Classification: Likely pathogenic for COL1A1-related condition. Last evaluated: 2023-04-26. Review status: criteria provided, single submitter. Criteria: ACMG Guidelines, 2015. Collection method: clinical testing. Allele origin: germline.
Comment: The COL1A1 c.2975G>A variant is predicted to result in the amino acid substitution p.Gly992Asp. To our knowledge, this variant has not been reported in the literature or in a large population database, indicating this variant is rare. This variant is located in the conserved Gly-Xaa-Yaa triple helical domain where substitutions of a glycine are usually pathogenic (Marini et al. 2007. PubMed ID: 17078022). This variant is interpreted as likely pathogenic.